The following is an entry in ClinVar:

NM_015259.6(ICOSLG):c.592G>A (p.Asp198Asn)

Gene: ICOSLG (inducible T cell costimulator ligand; minus strand). Cytogenetic location: 21q22.3.
Variant type: single nucleotide variant.
Coding change: c.592G>A on transcript NM_015259.6 (MANE Select); coding-DNA position 592, G replaced by A.
Protein change: p.Asp198Asn; replaces aspartic acid 198 with asparagine.
Molecular consequence: missense variant.
Genome position (GRCh38, 1-based): chr21:44,235,377, C>T on the plus strand (G>A on the coding strand, the complement: ICOSLG is on the minus strand). VCF-style: chr21-44235377-C-T. GRCh37 (hg19) VCF-style: chr21-45655260-C-T.
Other names: c.592G>A, p.Asp198Asn (NM_001283050.2, NM_001395918.1); c.241G>A, p.Asp81Asn (NM_001283051.2); c.337G>A, p.Asp113Asn (NM_001283052.2); c.511G>A, p.Asp171Asn (NM_001365759.2); short protein forms D113N, D81N, D171N, D198N.
Identifiers: ClinVar variation 4771317 (VCV004771317.1).

ClinVar aggregate classification (germline): Uncertain significance (1 of 4 stars; one submission).

Submission:

Labcorp Genetics (formerly Invitae), Labcorp
Classification: Uncertain significance. Last evaluated: 2025-04-08. Review status: criteria provided, single submitter. Criteria: Invitae Variant Classification Sherloc (09022015). Collection method: clinical testing. Allele origin: germline.
Comment: This sequence change replaces aspartic acid, which is acidic and polar, with asparagine, which is neutral and polar, at codon 198 of the ICOSLG protein (p.Asp198Asn). This variant is present in population databases (rs752651464, gnomAD 0.08%), and has an allele count higher than expected for a pathogenic variant. This variant has not been reported in the literature in individuals affected with ICOSLG-related conditions. An algorithm developed to predict the effect of missense changes on protein structure and function outputs the following: PolyPhen-2: "Benign". The asparagine amino acid residue is found in multiple mammalian species, which suggests that this missense change does not adversely affect protein function. In summary, the available evidence is currently insufficient to determine the role of this variant in disease. Therefore, it has been classified as a Variant of Uncertain Significance.